The following is an entry in ClinVar:

ClinVar aggregate classification (germline): Pathogenic/Likely pathogenic. Review status: criteria provided, multiple submitters, no conflicts (2 of 4 stars). 6 submissions from 6 submitters: Pathogenic (4); Likely pathogenic (1). 1 of the submissions does not count toward it. Last evaluated 2025-08-12.

Conditions:
Autosomal recessive nonsyndromic hearing loss 77. Identifiers: Orphanet 90636, MedGen C2746083, MONDO:0013119, OMIM 613079.
Nonsyndromic genetic hearing loss. Also called: Non-syndromic genetic deafness; Nonsyndromic hearing loss and deafness; Nonsyndromic genetic deafness. Identifiers: Orphanet 87884, MedGen C5680182, MONDO:0019497.

Allele frequency attached by ClinVar (database versions not stated): gnomAD exomes 0.00003 and 0.00004; TOPMed 0.00003; ExAC 0.00005; gnomAD 0.00005 and 0.00006.
gnomAD v4.1: 66 of 1,551,792 alleles (0.0043%); highest among the groups gnomAD compares: Non-Finnish European, 0.0057%; no homozygotes.

Submissions (6):

Natera, Inc.
Classification: Pathogenic for Autosomal recessive deafness type 77. Last evaluated: 2025-08-12. Review status: criteria provided, single submitter. Criteria: Natera Variant Classification Schema (03/2026). Collection method: clinical testing. Allele origin: germline.
Comment: The c.6353G>A variant in LOXHD1 is a missense variant predicted to cause substitution of glycine to glutamic acid at amino acid 2118. This variant is rare in the general population with a frequency below the threshold expected for the associated phenotype(s). This variant has been observed in one or more individuals affected with the associated recessive disease, as either homozygous or compound heterozygous with a second variant (PMID: 29676012). Additionally, this variant has been observed to segregate in affected family members (PMID: 29676012). Computational prediction algorithms indicate this variant is likely to affect gene or protein function. Given the available evidence, this variant is classified as Pathogenic.

Labcorp Genetics (formerly Invitae), Labcorp
Classification: Pathogenic. Last evaluated: 2024-03-26. Review status: criteria provided, single submitter. Criteria: Invitae Variant Classification Sherloc (09022015). Collection method: clinical testing. Allele origin: germline.
Comment: This sequence change replaces glycine, which is neutral and non-polar, with glutamic acid, which is acidic and polar, at codon 2118 of the LOXHD1 protein (p.Gly2118Glu). This variant is present in population databases (rs763915229, gnomAD 0.007%). This missense change has been observed in individual(s) with hearing loss (PMID: 29676012). In at least one individual the data is consistent with being in trans (on the opposite chromosome) from a pathogenic variant. It has also been observed to segregate with disease in related individuals. ClinVar contains an entry for this variant (Variation ID: 517507). An algorithm developed to predict the effect of missense changes on protein structure and function (PolyPhen-2) suggests that this variant is likely to be disruptive. For these reasons, this variant has been classified as Pathogenic.

Fulgent Genetics
Classification: Pathogenic for Autosomal recessive nonsyndromic hearing loss 77. Last evaluated: 2024-01-23. Review status: criteria provided, single submitter. Criteria: ACMG Guidelines, 2015. Collection method: clinical testing. Allele origin: germline.

Women's Health and Genetics/Laboratory Corporation of America, LabCorp
Classification: Pathogenic for Nonsyndromic genetic hearing loss. Last evaluated: 2023-02-14. Review status: criteria provided, single submitter. Criteria: LabCorp Variant Classification Summary - May 2015. Collection method: clinical testing. Allele origin: germline.
Comment: Variant summary: LOXHD1 c.6353G>A (p.Gly2118Glu) results in a non-conservative amino acid change located in the last PLAT/LH2 repeat domain (IPR001024) of the encoded protein sequence. Three of three in-silico tools predict a damaging effect of the variant on protein function. The variant allele was found at a frequency of 2.5e-05 in 157160 control chromosomes (gnomAD). c.6353G>A has been reported in the literature in multiple compound heterozygous individuals affected with Nonsyndromic Hearing Loss And Deafness, Type 77 (Sloan-Heggen_2016, Seco_2017, Wesdorp_2018), and in several of these patients a (likely) pathogenic variant was reported in trans. These data indicate that the variant is very likely to be associated with disease. To our knowledge, no experimental evidence demonstrating an impact on protein function has been reported. Three clinical diagnostic laboratories have submitted clinical-significance assessments for this variant to ClinVar after 2014 without evidence for independent evaluation. Based on the evidence outlined above, the variant was classified as pathogenic.

HudsonAlpha Institute for Biotechnology
Classification: Likely pathogenic for Autosomal recessive nonsyndromic hearing loss 77. Last evaluated: 2021-02-17. Review status: criteria provided, single submitter. Criteria: ACMG Guidelines, 2015. Collection method: research. Allele origin: maternal. Affected: yes. Observed: 1 variant allele. Study: HudsonAlpha-AGHI-WGS.
Comment: ACMG codes:PM2, PM3, PP3, PP5

Laboratory for Molecular Medicine, Mass General Brigham Personalized Medicine
Classification: Uncertain significance. Last evaluated: 2017-08-03. Review status: flagged submission. Criteria: LMM Criteria. Collection method: clinical testing. Allele origin: germline. Observed: 1 variant allele. Not counted in ClinVar's aggregate classification.
Comment: The p.Gly2118Glu variant in LOXHD1 has been reported in the compound heterozygou s state in 1 individual with hearing loss (Zazo Seco 2017). It has been identifi ed in 4/58252 European chromosomes by the Genome Aggregation Database (gnomAD; dbSNP rs763915229). Although this variant has been seen in the general population, its frequency is not high enough to rule ou t a pathogenic role. Computational prediction tools and conservation analyses su ggest that this variant may impact the protein, though this information is not p redictive enough to determine pathogenicity. In summary, the clinical significan ce of the p.Gly2118Glu variant is uncertain.
ClinVar note: Reason: Older and outlier claim with insufficient supporting evidence

Literature cited by the submitters: PubMed 29676012 (cited by 3 submitters); PubMed 26969326 (cited by Women's Health and Genetics/Laboratory Corporation of America, LabCorp); PubMed 28000701 (cited by Women's Health and Genetics/Laboratory Corporation of America, LabCorp and Laboratory for Molecular Medicine, Mass General Brigham Personalized Medicine).

NM_001384474.1(LOXHD1):c.6539G>A (p.Gly2180Glu)

Gene: LOXHD1 (lipoxygenase homology PLAT domains 1; minus strand). Cytogenetic location: 18q21.1.
Variant type: single nucleotide variant.
Coding change: c.6539G>A on transcript NM_001384474.1 (MANE Select); coding-DNA position 6539, G replaced by A.
Protein change: p.Gly2180Glu; replaces glycine 2180 with glutamic acid.
Molecular consequence: missense variant.
Genome position (GRCh38, 1-based): chr18:46,477,755, C>T on the plus strand (G>A on the coding strand, the complement: LOXHD1 is on the minus strand). VCF-style: chr18-46477755-C-T. GRCh37 (hg19) VCF-style: chr18-44057718-C-T.
Other names: c.3206G>A, p.Gly1069Glu (NM_001145472.3); c.1256G>A, p.Gly419Glu (NM_001145473.3, NM_001173129.2); c.2918G>A, p.Gly973Glu (NM_001308013.2); c.6353G>A, p.Gly2118Glu (NM_144612.7); short protein forms G2118E, G419E, G973E, G1069E, G2180E.
Identifiers: ClinVar variation 517507 (VCV000517507.15), dbSNP rs763915229, ClinGen allele CA8952036.
Genomic context (GRCh38, chr18:46,477,755, plus strand): 5'-CGCTCGAAGAGGTTGCGCATTTTCTGCTTCAGCTCCCGCTTGCCTGTGTCTCCGTTGGCC[C>T]CAAAGATGGTCACGAAGACGTTGGCATCAGTGCCTGCCCCTGGCTCATAGCCTGTTGTCA-3'
Protein context (NP_001371403.1, residues 2170-2190): TDANVFVTIF[Gly2180Glu]ANGDTGKREL